The following is an entry in ClinVar:

NM_197941.4(ADAMTS6):c.269C>T (p.Ser90Leu)

Gene: ADAMTS6 (ADAM metallopeptidase with thrombospondin type 1 motif 6; minus strand). Cytogenetic location: 5q12.3.
Variant type: single nucleotide variant.
Coding change: c.269C>T on transcript NM_197941.4 (MANE Select); coding-DNA position 269, C replaced by T.
Protein change: p.Ser90Leu; replaces serine 90 with leucine.
Molecular consequence: missense variant. On other transcripts: non-coding transcript variant (1).
Genome position (GRCh38, 1-based): chr5:65,470,971, G>A on the plus strand (C>T on the coding strand, the complement: ADAMTS6 is on the minus strand). VCF-style: chr5-65470971-G-A. GRCh37 (hg19) VCF-style: chr5-64766798-G-A.
Other names: short protein forms S90L.
Identifiers: ClinVar variation 3043728 (VCV003043728.2), dbSNP rs61736454, ClinGen allele CA3283144.

ClinVar aggregate classification (germline): Likely benign (0 of 4 stars; one submission).

Conditions:
ADAMTS6-related disorder. Also called: ADAMTS6-related condition.

Allele frequency attached by ClinVar (database versions not stated): ExAC 0.00115; 1000 Genomes Project 0.00120; ESP Exome Variant Server 0.00123; 1000 Genomes Project 30x 0.00125; gnomAD 0.00162; TOPMed 0.00179; gnomAD exomes 0.00205.
gnomAD v4.1: 3,257 of 1,612,710 alleles (0.2%); highest among the groups gnomAD compares: Non-Finnish European, 0.23%; 9 homozygotes.

Submission:

PreventionGenetics, part of Exact Sciences
Classification: Likely benign for ADAMTS6-related condition. Last evaluated: 2022-12-21. Review status: no assertion criteria provided. Collection method: clinical testing. Allele origin: germline.
Comment: This variant is classified as likely benign based on ACMG/AMP sequence variant interpretation guidelines (Richards et al. 2015 PMID: 25741868, with internal and published modifications).